The following is an entry in ClinVar:

ClinVar aggregate classification (germline): Conflicting classifications of pathogenicity. Review status: criteria provided, conflicting classifications (1 of 4 stars). 4 submissions from 4 submitters: Uncertain significance (2); Likely benign (1). 1 of the submissions does not count toward it. Last evaluated 2025-12-21.

Conditions:
POLG-related disorder. Also called: POLG-Related Spectrum Disorders; POLG-related condition; POLG-Related Disorders. Identifiers: MedGen C4763519.
Progressive external ophthalmoplegia with mitochondrial DNA deletions, autosomal dominant 1 (PEOA1). Also called: PROGRESSIVE EXTERNAL OPHTHALMOPLEGIA, AUTOSOMAL DOMINANT 1; Autosomal Dominant Progressive External Ophthalmoplegia (adPEO). Identifiers: MedGen C1834846, MONDO:0024528, OMIM 157640.
Progressive external ophthalmoplegia with mitochondrial DNA deletions, autosomal recessive 1 (PEOB1). Also called: Progressive external ophthalmoplegia, autosomal recessive 1; Autosomal Recessive Progressive External Ophthalmoplegia (arPEO). Identifiers: Orphanet 254886, MedGen C4225153, MONDO:0009783, OMIM 258450.
Progressive sclerosing poliodystrophy (MTDPS4A). Also called: NEURONAL DEGENERATION OF CHILDHOOD WITH LIVER DISEASE, PROGRESSIVE; Alpers Syndrome; ALPERS DIFFUSE DEGENERATION OF CEREBRAL GRAY MATTER WITH HEPATIC CIRRHOSIS; Mitochondrial DNA depletion syndrome 4A (Alpers type); Mitochondrial DNA Depletion Syndrome 4A; Alpers-Huttenlocher Syndrome. Identifiers: Orphanet 726, MedGen C0205710, MONDO:0008758, OMIM 203700.
Sensory ataxic neuropathy, dysarthria, and ophthalmoparesis (SANDO). Also called: Epilepsy, progressive myoclonic, type 5; SENSORY ATAXIC NEUROPATHY WITH MITOCHONDRIAL DNA DELETIONS, AUTOSOMAL RECESSIVE; Ataxia Neuropathy Spectrum (ANS); Sensory ataxic neuropathy-dysarthria-ophthalmoparesis syndrome. Identifiers: Orphanet 70595, MedGen C1843851, MONDO:0011835, OMIM 607459.
Mitochondrial DNA depletion syndrome 1. Also called: POLIP SYNDROME; POLYNEUROPATHY, OPHTHALMOPLEGIA, LEUKOENCEPHALOPATHY, AND INTESTINAL PSEUDOOBSTRUCTION; Mitochondrial Neurogastrointestinal Encephalopathy Disease; MITOCHONDRIAL NEUROGASTROINTESTINAL ENCEPHALOPATHY SYNDROME, TYMP-RELATED; MNGIE, TYMP-RELATED; Mitochondrial DNA Depletion Syndrome, MNGIE Form. Identifiers: Orphanet 298, MedGen C4551995, MONDO:0011283, OMIM 603041.
Mitochondrial DNA depletion syndrome 4b. Also called: MNGIE, POLG-RELATED; Mitochondrial Neurogastrointestinal Encephalopathy Disease, POLG-Related. Identifiers: Orphanet 298, MedGen C3150914, MONDO:0013350, OMIM 613662.

Allele frequency attached by ClinVar (database versions not stated): gnomAD exomes below 0.00001; gnomAD 0.00001; TOPMed 0.00002.
gnomAD v4.1: 3 of 1,590,756 alleles (0.00019%); highest among the groups gnomAD compares: African/African-American, 0.0027%; no homozygotes.

Submissions (4):

Labcorp Genetics (formerly Invitae), Labcorp
Classification: Likely benign for Progressive sclerosing poliodystrophy. Last evaluated: 2025-12-21. Review status: criteria provided, single submitter. Criteria: Invitae Variant Classification Sherloc (09022015). Collection method: clinical testing. Allele origin: germline.

Fulgent Genetics
Classification: Uncertain significance for Progressive external ophthalmoplegia with mitochondrial DNA deletions, autosomal dominant 1; Progressive sclerosing poliodystrophy; Progressive external ophthalmoplegia with mitochondrial DNA deletions, autosomal recessive 1; Mitochondrial DNA depletion syndrome 1; Sensory ataxic neuropathy, dysarthria, and ophthalmoparesis; Mitochondrial DNA depletion syndrome 4b. Last evaluated: 2021-10-08. Review status: criteria provided, single submitter. Criteria: ACMG Guidelines, 2015. Collection method: clinical testing. Allele origin: unknown.

Eurofins Ntd Llc (ga)
Classification: Uncertain significance. Last evaluated: 2014-11-13. Review status: criteria provided, single submitter. Criteria: EGL Classification Definitions 2015. Collection method: clinical testing. Allele origin: germline. Observed: 1 variant allele, 1 heterozygote.

PreventionGenetics, part of Exact Sciences
Classification: Likely benign for POLG-related condition. Last evaluated: 2024-07-10. Review status: no assertion criteria provided. Collection method: clinical testing. Allele origin: germline. Not counted in ClinVar's aggregate classification.
Comment: This variant is classified as likely benign based on ACMG/AMP sequence variant interpretation guidelines (Richards et al. 2015 PMID: 25741868, with internal and published modifications).

NM_002693.3(POLG):c.114G>T (p.Gly38=)

Genes: POLG (DNA polymerase gamma, catalytic subunit; minus strand), POLGARF (POLG alternative reading frame; minus strand). Cytogenetic location: 15q26.1.
Variant type: single nucleotide variant.
Coding change: c.114G>T on transcript NM_002693.3 (MANE Select); coding-DNA position 114, G replaced by T.
Protein change: p.Gly38=; no amino-acid change (glycine 38 retained).
Molecular consequence: synonymous variant.
Genome position (GRCh38, 1-based): chr15:89,333,641, C>A on the plus strand (G>T on the coding strand, the complement: POLG is on the minus strand). VCF-style: chr15-89333641-C-A. GRCh37 (hg19) VCF-style: chr15-89876872-C-A.
Other names: c.114G>T, p.Gly38= (NM_001126131.2); c.114G>T (NM_002693.2).
Identifiers: ClinVar variation 195176 (VCV000195176.15), dbSNP rs794727268, ClinGen allele CA241473.